The following is an entry in ClinVar:

ClinVar aggregate classification (germline): Uncertain significance (1 of 4 stars; one submission).

Conditions:
Hereditary cancer-predisposing syndrome. Also called: Neoplastic Syndromes, Hereditary; Tumor predisposition; Hereditary neoplastic syndrome; Hereditary Cancer Syndrome. Identifiers: Orphanet 140162, MedGen C0027672, MeSH D009386, MONDO:0015356.

Submission:

Ambry Genetics
Classification: Uncertain significance for Hereditary cancer-predisposing syndrome. Last evaluated: 2026-07-06. Review status: criteria provided, single submitter. Criteria: Ambry Variant Classification Scheme 2023. Collection method: clinical testing. Allele origin: germline.
Comment: The p.G67V variant (also known as c.200G>T), located in coding exon 1 of the AXIN2 gene, results from a G to T substitution at nucleotide position 200. The glycine at codon 67 is replaced by valine, an amino acid with dissimilar properties. This amino acid position is conserved. In addition, the in silico prediction for this alteration is inconclusive. Based on the available evidence, the clinical significance of this variant remains unclear.

NM_004655.4(AXIN2):c.200G>T (p.Gly67Val)

Gene: AXIN2 (axin 2; minus strand). Cytogenetic location: 17q24.1.
Variant type: single nucleotide variant.
Coding change: c.200G>T on transcript NM_004655.4 (MANE Select); coding-DNA position 200, G replaced by T.
Protein change: p.Gly67Val; replaces glycine 67 with valine.
Molecular consequence: missense variant.
Genome position (GRCh38, 1-based): chr17:65,558,421, C>A on the plus strand (G>T on the coding strand, the complement: AXIN2 is on the minus strand). VCF-style: chr17-65558421-C-A. GRCh37 (hg19) VCF-style: chr17-63554539-C-A.
Other names: c.200G>T, p.Gly67Val (NM_001363813.1); short protein forms G67V.
Identifiers: ClinVar variation 5032561 (VCV005032561.1).
Genomic context (GRCh38, chr17:65,558,421, plus strand): 5'-CCCAATAAGGAGTGTAAGGACTTGGTCCACCGGGTCAGAGGGGAATCCGGAGATGCCCGC[C>A]CCTCCGGCTCCCCCAACCCATCTTCGTTCCGCCTGGTGTTGGAAGAGACAGGCATGGGTT-3'
Protein context (NP_004646.3, residues 57-77): RNEDGLGEPE[Gly67Val]RASPDSPLTR